The following is an entry in ClinVar:

ClinVar aggregate classification (germline): Uncertain significance (1 of 4 stars; one submission).

Conditions:
Hereditary spastic paraplegia 47. Also called: Spastic paraplegia 47, autosomal recessive; adaptor protein 4 (AP-4) deficiency syndrome; CEREBRAL PALSY, SPASTIC QUADRIPLEGIC, 5. Identifiers: Orphanet 280763, MedGen C3279738, MONDO:0013551, OMIM 614066.

Allele frequency attached by ClinVar (database versions not stated): gnomAD 0.00001; TOPMed below 0.00001; gnomAD exomes 0.00001.
gnomAD v4.1: 7 of 1,611,078 alleles (0.00043%); highest among the groups gnomAD compares: East Asian, 0.0045%; no homozygotes.

Submission:

Baylor Genetics
Classification: Uncertain significance for Hereditary spastic paraplegia 47. Last evaluated: 2019-03-28. Review status: criteria provided, single submitter. Criteria: ACMG Guidelines, 2015. Collection method: clinical testing. Allele origin: maternal. Affected: yes.
Comment: This variant was determined to be of uncertain significance according to ACMG Guidelines, 2015 [PMID:25741868].

NM_001253852.3(AP4B1):c.671G>A (p.Arg224His)

Genes: AP4B1 (adaptor related protein complex 4 subunit beta 1; minus strand), AP4B1-AS1 (AP4B1 antisense RNA 1; plus strand). Cytogenetic location: 1p13.2.
Variant type: single nucleotide variant.
Coding change: c.671G>A on transcript NM_001253852.3 (MANE Select); coding-DNA position 671, G replaced by A.
Protein change: p.Arg224His; replaces arginine 224 with histidine.
Molecular consequence: missense variant. On other transcripts: non-coding transcript variant (2).
Genome position (GRCh38, 1-based): chr1:113,900,347, C>T on the plus strand (G>A on the coding strand, the complement: AP4B1 is on the minus strand). VCF-style: chr1-113900347-C-T. GRCh37 (hg19) VCF-style: chr1-114442969-C-T.
Other names: c.374G>A, p.Arg125His (NM_001253853.3); c.167G>A, p.Arg56His (NM_001308312.2); c.671G>A, p.Arg224His (NM_006594.5); short protein forms R224H, R56H, R125H.
Identifiers: ClinVar variation 1028532 (VCV001028532.1), dbSNP rs968023503, ClinGen allele CA28997545.